The following is an entry in ClinVar:

ClinVar aggregate classification (germline): Conflicting classifications of pathogenicity. Review status: criteria provided, conflicting classifications (1 of 4 stars). 2 submissions from 2 submitters: Uncertain significance (1); Likely benign (1). Last evaluated 2026-04-03.

gnomAD v4.1: 12 of 1,600,610 alleles (0.00075%); highest among the groups gnomAD compares: Non-Finnish European, 0.001%; no homozygotes.

Submissions (2):

Greenwood Genetic Center Diagnostic Laboratories, Greenwood Genetic Center
Classification: Uncertain significance. Last evaluated: 2026-04-03. Review status: criteria provided, single submitter. Criteria: ACMG Guidelines, 2015. Collection method: clinical testing. Allele origin: germline.
Comment: PM2, BP4

Labcorp Genetics (formerly Invitae), Labcorp
Classification: Likely benign. Last evaluated: 2025-01-29. Review status: criteria provided, single submitter. Criteria: Invitae Variant Classification Sherloc (09022015). Collection method: clinical testing. Allele origin: germline.

NM_014889.4(PITRM1):c.936A>C (p.Thr312=)

Gene: PITRM1 (pitrilysin metallopeptidase 1; minus strand). Cytogenetic location: 10p15.2.
Variant type: single nucleotide variant.
Coding change: c.936A>C on transcript NM_014889.4 (MANE Select); coding-DNA position 936, A replaced by C.
Protein change: p.Thr312=; no amino-acid change (threonine 312 retained).
Molecular consequence: synonymous variant. On other transcripts: 5 prime UTR variant (1), non-coding transcript variant (4).
Genome position (GRCh38, 1-based): chr10:3,159,919, T>G on the plus strand (A>C on the coding strand, the complement: PITRM1 is on the minus strand). VCF-style: chr10-3159919-T-G. GRCh37 (hg19) VCF-style: chr10-3202111-T-G.
Other names: c.936A>C, p.Thr312= (NM_001242307.2, NM_001347725.2); c.840A>C, p.Thr280= (NM_001242309.1); c.321A>C, p.Thr107= (NM_001347726.2, NM_001347727.2); c.-365A>C (NM_001347728.2); c.912A>C, p.Thr304= (NM_001347729.1, NM_001347730.1).
Identifiers: ClinVar variation 4778076 (VCV004778076.2).